The following is an entry in ClinVar:

NM_006618.5(KDM5B):c.3864T>C (p.Tyr1288=)

Gene: KDM5B (lysine demethylase 5B; minus strand). Cytogenetic location: 1q32.1.
Variant type: single nucleotide variant.
Coding change: c.3864T>C on transcript NM_006618.5 (MANE Select); coding-DNA position 3864, T replaced by C.
Protein change: p.Tyr1288=; no amino-acid change (tyrosine 1288 retained).
Molecular consequence: synonymous variant.
Genome position (GRCh38, 1-based): chr1:202,733,446, A>G on the plus strand (T>C on the coding strand, the complement: KDM5B is on the minus strand). VCF-style: chr1-202733446-A-G. GRCh37 (hg19) VCF-style: chr1-202702574-A-G.
Other names: c.3729T>C, p.Tyr1243= (NM_001347591.2); c.3849T>C, p.Tyr1283= (NM_001399817.1); c.3972T>C, p.Tyr1324= (NM_001314042.2).
Identifiers: ClinVar variation 3239546 (VCV003239546.19), dbSNP rs2527408190.
Genomic context (GRCh38, chr1:202,733,446, plus strand): 5'-AAAGTCCAGATTCACCTTGTTTGTGTCTGACACCTGTCCTGCTGAGGCTTGCCATCTGCT[A>G]TATAACAGTCCTGAGCCCACTCGATCTTGCACAAATTTAAGATTCCCTGACGAAAGCAGT-3'
Protein context (NP_006609.3, residues 1278-1298): VQDRVGSGLL[Tyr1288=]SRWQASAGQV

ClinVar aggregate classification (germline): Likely benign (1 of 4 stars; one submission).

Submission:

CeGaT Center for Human Genetics Tuebingen
Classification: Likely benign. Last evaluated: 2024-05-01. Review status: criteria provided, single submitter. Criteria: CeGaT Center For Human Genetics Tuebingen Variant Classification Criteria Version 2. Collection method: clinical testing. Allele origin: germline. Affected: yes. Observed: 1 variant allele.
Comment: KDM5B: PM2:Supporting, BP4, BP7